The following is an entry in ClinVar:

ClinVar aggregate classification (germline): Pathogenic (1 of 4 stars; one submission).

Conditions:
Hereditary cancer-predisposing syndrome. Also called: Tumor predisposition; Hereditary Cancer Syndrome; Neoplastic Syndromes, Hereditary; Hereditary neoplastic syndrome. Identifiers: Orphanet 140162, MedGen C0027672, MeSH D009386, MONDO:0015356.

Submission:

Ambry Genetics
Classification: Pathogenic for Hereditary cancer-predisposing syndrome. Last evaluated: 2024-07-10. Review status: criteria provided, single submitter. Criteria: Ambry Variant Classification Scheme 2023. Collection method: clinical testing. Allele origin: germline.
Comment: The c.6779dupT pathogenic mutation, located in coding exon 45 of the ATM gene, results from a duplication of T at nucleotide position 6779, causing a translational frameshift with a predicted alternate stop codon (p.L2261Tfs*12). This variant is considered to be rare based on population cohorts in the Genome Aggregation Database (gnomAD). This alteration is expected to result in loss of function by premature protein truncation or nonsense-mediated mRNA decay. As such, this alteration is interpreted as a disease-causing mutation.

NM_000051.4(ATM):c.6779dup (p.Leu2261fs)

Genes: ATM (ATM serine/threonine kinase; plus strand), C11orf65 (chromosome 11 open reading frame 65; minus strand). Cytogenetic location: 11q22.3.
Variant type: Duplication.
Coding change: c.6779dup on transcript NM_000051.4 (MANE Select); coding-DNA position 6779, one base duplicated (T; older notation c.6779dupT).
Protein change: p.Leu2261fs; shifts the reading frame from leucine 2261.
Molecular consequence: frameshift variant. On other transcripts: intron variant (2).
Genome position (GRCh38, 1-based): chr11:108,325,516, T duplicated. VCF-style (leftmost placement, unchanged base first): chr11-108325515-A-AT. GRCh37 (hg19) VCF-style: chr11-108196242-A-AT.
Other names: c.6779dupT (NM_000051.3); c.6779dup, p.Leu2261fs (NM_001351834.2); c.641-16445dup (NM_001330368.2); c.*38+9704dup (NM_001351110.2); short protein forms L2261fs.
Identifiers: ClinVar variation 3449919 (VCV003449919.1).
Genomic context (GRCh38, chr11:108,325,515, plus strand): 5'-GACAACTCACAAAGAGAATGTATTAAGGACATTCTCACCAAACACCTTGTAGAACTCTCT[A>AT]TACTGGCCAGAACTTTCAAGAACACTCAGGTAAATACAATTTAAAACTATGTCATCTTAC-3'